The following is an entry in ClinVar:

NM_017763.6(RNF43):c.1117_1118delinsAA (p.Gly373Asn)

Gene: RNF43 (ring finger protein 43; minus strand). Cytogenetic location: 17q22.
Variant type: Indel.
Coding change: c.1117_1118delinsAA on transcript NM_017763.6 (MANE Select); coding-DNA positions 1117 to 1118, GG replaced by AA.
Protein change: p.Gly373Asn; replaces glycine 373 with asparagine.
Molecular consequence: missense variant.
Genome position (GRCh38, 1-based): chr17:58,358,658-58,358,659, CC replaced by TT on the plus strand (GG replaced by AA on the coding strand, the reverse complement: RNF43 is on the minus strand). VCF-style: chr17-58358658-CC-TT. GRCh37 (hg19) VCF-style: chr17-56436019-CC-TT.
Other names: c.1117_1118delinsAA, p.Gly373Asn (NM_001305544.3, NM_001438820.1, NM_001438821.1 and 1 more transcripts); c.736_737delinsAA, p.Gly246Asn (NM_001305545.2, NM_001437987.1); short protein forms G246N, G373N.
Identifiers: ClinVar variation 4579007 (VCV004579007.1).
Genomic context (GRCh38, chr17:58,358,658, plus strand): 5'-GCTCTGGGGAAGCGGTGATGCCGAGGGCCCATGCCTGGCTCCTGGGATGGCAGGAAGGGA[CC>TT]AGGTCGTGGGGGCCGAGCCACTGCACTCCGGGAAGGGCCCAACAGGTAGGCAGCAGGGAG-3'
Protein context (NP_060233.3, residues 363-383): RSAVARPPRP[Gly373Asn]PFLPSQEPGM

ClinVar aggregate classification (germline): Uncertain significance (1 of 4 stars; one submission).

Submission:

Ambry Genetics
Classification: Uncertain significance. Last evaluated: 2025-11-26. Review status: criteria provided, single submitter. Criteria: Ambry Variant Classification Scheme 2023. Collection method: clinical testing. Allele origin: germline.
Comment: The c.1117_1118delGGinsAA variant (also known as p.G373N), located in coding exon 8 of the RNF43 gene, results from an in-frame deletion of GG and insertion of AA at nucleotide positions 1117 to 1118. This results in the substitution of the glycine residue for an asparagine residue at codon 373, an amino acid with similar properties. This amino acid position is not well conserved in available vertebrate species. The evidence for this gene-disease relationship is limited; therefore, the clinical significance of this alteration is unclear.